The following is an entry in ClinVar:

NM_005859.5(PURA):c.93_94insA (p.Gly32fs)

Gene: PURA (purine rich element binding protein A; plus strand). Cytogenetic location: 5q31.3.
Variant type: Insertion.
Coding change: c.93_94insA on transcript NM_005859.5 (MANE Select); coding-DNA positions 93 to 94, A inserted.
Protein change: p.Gly32fs; shifts the reading frame from glycine 32.
Molecular consequence: frameshift variant.
Genome position: GRCh38 VCF-style: chr5-140114274-C-CA. GRCh37 (hg19) VCF-style: chr5-139493859-C-CA.
Other names: short protein forms G32fs.
Identifiers: ClinVar variation 4293249 (VCV004293249.1).

ClinVar aggregate classification (germline): Likely pathogenic (1 of 4 stars; one submission).

Conditions:
PURA-related severe neonatal hypotonia-seizures-encephalopathy syndrome (NEDRIHF). Also called: NEURODEVELOPMENTAL DISORDER WITH NEONATAL RESPIRATORY INSUFFICIENCY, HYPOTONIA, AND FEEDING DIFFICULTIES; PURA-Related Neurodevelopmental Disorders. Identifiers: Orphanet 438213, Orphanet 438216, MedGen C4015357, MONDO:1060108, OMIM 616158, MONDO:0018580.

Submission:

3billion
Classification: Likely pathogenic for PURA-related severe neonatal hypotonia-seizures-encephalopathy syndrome. Last evaluated: 2024-07-17. Review status: criteria provided, single submitter. Criteria: ACMG Guidelines, 2015. Collection method: clinical testing. Allele origin: germline. Affected: yes.
Comment: The variant is not observed in the gnomAD v4.0.0 dataset. Predicted Consequence/Location: Frameshift: predicted to result in a loss or disruption of normal protein function through protein truncation. Multiple pathogenic variants are reported in the predicted truncated region. Therefore, this variant is classified as Likely pathogenic according to the recommendation of ACMG/AMP guideline.